The following is an entry in ClinVar:

ClinVar aggregate classification (germline): Uncertain significance (1 of 4 stars; one submission).

gnomAD v4.1: 4 of 1,612,286 alleles (0.00025%); highest among the groups gnomAD compares: African/African-American, 0.0013%; no homozygotes.

Submission:

GeneDx
Classification: Uncertain significance. Last evaluated: 2024-05-07. Review status: criteria provided, single submitter. Criteria: GeneDx Variant Classification Process June 2021. Collection method: clinical testing. Allele origin: germline. Affected: yes.
Comment: Not observed at significant frequency in large population cohorts (gnomAD); In silico analysis supports that this missense variant has a deleterious effect on protein structure/function; Has not been previously published as pathogenic or benign to our knowledge

NM_001256864.2(DNAJC6):c.1997C>T (p.Pro666Leu)

Gene: DNAJC6 (DnaJ heat shock protein family (Hsp40) member C6; plus strand). Cytogenetic location: 1p31.3.
Variant type: single nucleotide variant.
Coding change: c.1997C>T on transcript NM_001256864.2 (MANE Select); coding-DNA position 1997, C replaced by T.
Protein change: p.Pro666Leu; replaces proline 666 with leucine.
Molecular consequence: missense variant.
Genome position (GRCh38, 1-based): chr1:65,394,991, C>T. VCF-style: chr1-65394991-C-T. GRCh37 (hg19) VCF-style: chr1-65860674-C-T.
Other names: c.1787C>T, p.Pro596Leu (NM_001256865.2); c.1826C>T, p.Pro609Leu (NM_014787.4); short protein forms P596L, P609L, P666L.
Identifiers: ClinVar variation 3375889 (VCV003375889.1).